The following is an entry in ClinVar:

ClinVar aggregate classification (germline): Pathogenic (1 of 4 stars; one submission).

Submission:

CeGaT Center for Human Genetics Tuebingen
Classification: Pathogenic. Last evaluated: 2024-03-01. Review status: criteria provided, single submitter. Criteria: CeGaT Center For Human Genetics Tuebingen Variant Classification Criteria Version 2. Collection method: clinical testing. Allele origin: germline. Affected: yes. Observed: 1 variant allele.
Comment: CACNA1A: PVS1, PM2

NM_001127222.2(CACNA1A):c.3735dup (p.Glu1246Ter)

Gene: CACNA1A (calcium voltage-gated channel subunit alpha1 A; minus strand). Cytogenetic location: 19p13.13.
Variant type: Duplication.
Coding change: c.3735dup on transcript NM_001127222.2 (MANE Select); coding-DNA position 3735, one base duplicated (T; older notation c.3735dupT).
Protein change: p.Glu1246Ter; replaces glutamic acid 1246 with a stop codon.
Molecular consequence: nonsense.
Genome position (GRCh38, 1-based): chr19:13,283,354, A duplicated on the plus strand (T on the coding strand, the reverse complement: CACNA1A is on the minus strand); the first of 3 consecutive A bases (chr19:13,283,354-13,283,356); duplicating any one gives the same sequence. VCF-style (leftmost placement, unchanged base first): chr19-13283353-C-CA. GRCh37 (hg19) VCF-style: chr19-13394167-C-CA.
Other names: c.3747dup, p.Glu1250Ter (NM_000068.4, NM_023035.3); c.3738dup, p.Glu1247Ter (NM_001127221.2, NM_001174080.2); short protein forms E1246*, E1247*, E1250*.
Identifiers: ClinVar variation 3067775 (VCV003067775.21), dbSNP rs2512840904, ClinGen allele CA2825002749.